The following is an entry in ClinVar:

NM_006922.4(SCN3A):c.5170C>G (p.Pro1724Ala)

Gene: SCN3A (sodium voltage-gated channel alpha subunit 3; minus strand). Cytogenetic location: 2q24.3.
Variant type: single nucleotide variant.
Coding change: c.5170C>G on transcript NM_006922.4 (MANE Select); coding-DNA position 5170, C replaced by G.
Protein change: p.Pro1724Ala; replaces proline 1724 with alanine.
Molecular consequence: missense variant.
Genome position (GRCh38, 1-based): chr2:165,090,983, G>C on the plus strand (C>G on the coding strand, the complement: SCN3A is on the minus strand). VCF-style: chr2-165090983-G-C. GRCh37 (hg19) VCF-style: chr2-165947493-G-C.
Other names: c.5023C>G, p.Pro1675Ala (NM_001081676.2, NM_001081677.2); short protein forms P1724A, P1675A.
Identifiers: ClinVar variation 1506770 (VCV001506770.9), dbSNP rs769702918, ClinGen allele CA1938436.

ClinVar aggregate classification (germline): Uncertain significance. Review status: criteria provided, multiple submitters, no conflicts (2 of 4 stars). 2 submissions from 2 submitters: Uncertain significance (2). Last evaluated 2024-03-20.

Submissions (2):

Blueprint Genetics
Classification: Uncertain significance. Last evaluated: 2024-03-20. Review status: criteria provided, single submitter. Criteria: ACMG Guidelines, 2015. Collection method: clinical testing. Allele origin: germline.

Labcorp Genetics (formerly Invitae), Labcorp
Classification: Uncertain significance. Last evaluated: 2022-10-02. Review status: criteria provided, single submitter. Criteria: Invitae Variant Classification Sherloc (09022015). Collection method: clinical testing. Allele origin: germline.
Comment: This variant has not been reported in the literature in individuals affected with SCN3A-related conditions. In summary, the available evidence is currently insufficient to determine the role of this variant in disease. Therefore, it has been classified as a Variant of Uncertain Significance. Advanced modeling of protein sequence and biophysical properties (such as structural, functional, and spatial information, amino acid conservation, physicochemical variation, residue mobility, and thermodynamic stability) has been performed at Invitae for this missense variant, however the output from this modeling did not meet the statistical confidence thresholds required to predict the impact of this variant on SCN3A protein function. ClinVar contains an entry for this variant (Variation ID: 1506770). This variant is not present in population databases (gnomAD no frequency). This sequence change replaces proline, which is neutral and non-polar, with alanine, which is neutral and non-polar, at codon 1724 of the SCN3A protein (p.Pro1724Ala).